The following is an entry in ClinVar:

ClinVar aggregate classification (germline): Likely benign (1 of 4 stars; one submission).

Allele frequency attached by ClinVar (database versions not stated): gnomAD exomes 0.00001; ESP Exome Variant Server 0.00008.
gnomAD v4.1: 17 of 1,613,046 alleles (0.0011%); highest among the groups gnomAD compares: Middle Eastern, 0.033%; no homozygotes.

Submission:

CeGaT Center for Human Genetics Tuebingen
Classification: Likely benign. Last evaluated: 2024-02-01. Review status: criteria provided, single submitter. Criteria: CeGaT Center For Human Genetics Tuebingen Variant Classification Criteria Version 2. Collection method: clinical testing. Allele origin: germline. Affected: yes. Observed: 2 variant alleles.
Comment: RTN4IP1: BP4

NM_032730.5(RTN4IP1):c.256A>G (p.Ile86Val)

Gene: RTN4IP1 (reticulon 4 interacting protein 1; minus strand). Cytogenetic location: 6q21.
Variant type: single nucleotide variant.
Coding change: c.256A>G on transcript NM_032730.5 (MANE Select); coding-DNA position 256, A replaced by G.
Protein change: p.Ile86Val; replaces isoleucine 86 with valine.
Molecular consequence: missense variant. On other transcripts: intron variant (1).
Genome position (GRCh38, 1-based): chr6:106,628,766, T>C on the plus strand (A>G on the coding strand, the complement: RTN4IP1 is on the minus strand). VCF-style: chr6-106628766-T-C. GRCh37 (hg19) VCF-style: chr6-107076641-T-C.
Other names: c.-27+1561A>G (NM_001318746.1); short protein forms I86V.
Identifiers: ClinVar variation 1012783 (VCV001012783.38), dbSNP rs146773051, ClinGen allele CA145001101.